The following is an entry in ClinVar:

NM_002778.4(PSAP):c.370G>C (p.Glu124Gln)

Gene: PSAP (prosaposin; minus strand). Cytogenetic location: 10q22.1.
Variant type: single nucleotide variant.
Coding change: c.370G>C on transcript NM_002778.4 (MANE Select); coding-DNA position 370, G replaced by C.
Protein change: p.Glu124Gln; replaces glutamic acid 124 with glutamine.
Molecular consequence: missense variant.
Genome position (GRCh38, 1-based): chr10:71,831,131, C>G on the plus strand (G>C on the coding strand, the complement: PSAP is on the minus strand). VCF-style: chr10-71831131-C-G. GRCh37 (hg19) VCF-style: chr10-73590888-C-G.
Other names: c.370G>C, p.Glu124Gln (NM_001042465.3, NM_001042466.3); short protein forms E124Q.
Identifiers: ClinVar variation 989887 (VCV000989887.3), dbSNP rs770893932, ClinGen allele CA5547794.

ClinVar aggregate classification (germline): Uncertain significance. Review status: criteria provided, single submitter (1 of 4 stars). 2 submissions from 2 submitters: Uncertain significance (1). 1 of the submissions does not count toward it. Last evaluated 2022-07-26.

Conditions:
Metachromatic leukodystrophy (MLD). Also called: Arylsulfatase A Deficiency; SULFATIDE LIPIDOSIS; ARSA DEFICIENCY; CEREBROSIDE SULFATASE DEFICIENCY; Cerebral sclerosis diffuse metachromatic form; METACHROMATIC LEUKOENCEPHALOPATHY. Identifiers: Orphanet 512, MedGen C0023522, MONDO:0018868, OMIM 250100.
Sphingolipid activator protein 1 deficiency. Also called: Saposin B Deficiency; Metachromatic leukodystrophy due to saposin B deficiency; METACHROMATIC LEUKODYSTROPHY DUE TO CEREBROSIDE SULFATASE ACTIVATOR DEFICIENCY. Identifiers: Orphanet 512, MedGen C0268262, MONDO:0009590, OMIM 249900.

Allele frequency attached by ClinVar (database versions not stated): gnomAD exomes 0.00001 and 0.00004; ExAC 0.00006.
gnomAD v4.1: 21 of 1,614,108 alleles (0.0013%); highest among the groups gnomAD compares: South Asian, 0.022%; no homozygotes.

Submissions (2):

Labcorp Genetics (formerly Invitae), Labcorp
Classification: Uncertain significance for Sphingolipid activator protein 1 deficiency. Last evaluated: 2022-07-26. Review status: criteria provided, single submitter. Criteria: Invitae Variant Classification Sherloc (09022015). Collection method: clinical testing. Allele origin: germline.
Comment: This sequence change replaces glutamic acid with glutamine at codon 124 of the PSAP protein (p.Glu124Gln). The glutamic acid residue is moderately conserved and there is a small physicochemical difference between glutamic acid and glutamine. This variant is present in population databases (rs770893932, gnomAD 0.04%). This variant has not been reported in the literature in individuals affected with PSAP-related conditions. ClinVar contains an entry for this variant (Variation ID: 989887). Algorithms developed to predict the effect of missense changes on protein structure and function output the following: SIFT: "Not Available"; PolyPhen-2: "Benign"; Align-GVGD: "Not Available". The glutamine amino acid residue is found in multiple mammalian species, which suggests that this missense change does not adversely affect protein function. In summary, the available evidence is currently insufficient to determine the role of this variant in disease. Therefore, it has been classified as a Variant of Uncertain Significance.

Natera, Inc.
Classification: Uncertain significance for Metachromatic leukodystrophy. Last evaluated: 2020-04-11. Review status: no assertion criteria provided. Collection method: clinical testing. Allele origin: germline. Not counted in ClinVar's aggregate classification.